The following is an entry in ClinVar:

ClinVar aggregate classification (germline): Uncertain significance (1 of 4 stars; one submission).

Conditions:
Early-infantile DEE. Also called: Early infantile epileptic encephalopathy with suppression bursts; Early infantile epileptic encephalopathy; Ohtahara syndrome. Identifiers: Orphanet 1934, MedGen C0393706, MONDO:0800491.

Allele frequency attached by ClinVar (database versions not stated): 1000 Genomes Project 30x 0.00016; 1000 Genomes Project 0.00020; ExAC 0.00001.
gnomAD v4.1: 1 of 1,613,908 alleles (0.000062%); highest among the groups gnomAD compares: East Asian, 0.0022%; no homozygotes.

Submission:

Labcorp Genetics (formerly Invitae), Labcorp
Classification: Uncertain significance for Early-infantile DEE. Last evaluated: 2022-09-06. Review status: criteria provided, single submitter. Criteria: Invitae Variant Classification Sherloc (09022015). Collection method: clinical testing. Allele origin: germline.
Comment: This variant has not been reported in the literature in individuals affected with SCN1A-related conditions. This variant is present in population databases (rs199988999, gnomAD 0.006%). This sequence change replaces arginine, which is basic and polar, with cysteine, which is neutral and slightly polar, at codon 1924 of the SCN1A protein (p.Arg1924Cys). Advanced modeling of protein sequence and biophysical properties (such as structural, functional, and spatial information, amino acid conservation, physicochemical variation, residue mobility, and thermodynamic stability) performed at Invitae indicates that this missense variant is expected to disrupt SCN1A protein function. In summary, the available evidence is currently insufficient to determine the role of this variant in disease. Therefore, it has been classified as a Variant of Uncertain Significance.

NM_001165963.4(SCN1A):c.5770C>T (p.Arg1924Cys)

Genes: SCN1A (sodium voltage-gated channel alpha subunit 1; minus strand), LOC102724058 (uncharacterized LOC102724058; plus strand). Cytogenetic location: 2q24.3.
Variant type: single nucleotide variant.
Coding change: c.5770C>T on transcript NM_001165963.4 (MANE Select); coding-DNA position 5770, C replaced by T.
Protein change: p.Arg1924Cys; replaces arginine 1924 with cysteine.
Molecular consequence: missense variant. On other transcripts: non-coding transcript variant (1).
Genome position (GRCh38, 1-based): chr2:165,991,505, G>A on the plus strand (C>T on the coding strand, the complement: SCN1A is on the minus strand). VCF-style: chr2-165991505-G-A. GRCh37 (hg19) VCF-style: chr2-166848015-G-A.
Other names: c.5686C>T, p.Arg1896Cys (NM_001165964.3, NM_001353957.2, NM_001353958.2); c.5770C>T, p.Arg1924Cys (NM_001202435.3, NM_001353948.2); c.5737C>T, p.Arg1913Cys (NM_001353949.2, NM_001353950.2, NM_001353951.2 and 2 more transcripts); c.5734C>T, p.Arg1912Cys (NM_001353954.2, NM_001353955.2); c.5683C>T, p.Arg1895Cys (NM_001353960.2); c.3328C>T, p.Arg1110Cys (NM_001353961.2); short protein forms R1110C, R1895C, R1896C, R1912C, R1913C, R1924C.
Identifiers: ClinVar variation 1718926 (VCV001718926.5), dbSNP rs199988999, ClinGen allele CA1942645.